The following is an entry in ClinVar:

NM_007294.4(BRCA1):c.5503_5506del (p.Arg1835fs)

Gene: BRCA1 (BRCA1 DNA repair associated; minus strand). Cytogenetic location: 17q21.31.
Variant type: Deletion.
Coding change: c.5503_5506del on transcript NM_007294.4 (MANE Select); coding-DNA positions 5503 to 5506, 4 bases deleted (CGAG; older notation c.5503_5506delCGAG).
Protein change: p.Arg1835fs; shifts the reading frame from arginine 1835.
Molecular consequence: frameshift variant. On other transcripts: 3 prime UTR variant (1), non-coding transcript variant (1).
Genome position (GRCh38, 1-based): chr17:43,045,764-43,045,767, CTCG deleted on the plus strand (CGAG on the coding strand, the reverse complement: BRCA1 is on the minus strand). VCF-style (leftmost placement, unchanged base first): chr17-43045763-TCTCG-T. GRCh37 (hg19) VCF-style: chr17-41197780-TCTCG-T.
Other names: - not available -; c.5290_5293delCGAG, p.Arg1764Serfs (NM_001407906.1, NM_001407907.1, NM_001407908.1 and 12 more transcripts); c.5287_5290delCGAG, p.Arg1763Serfs (NM_001407915.1, NM_001407916.1, NM_001407917.1 and 1 more transcripts); c.5251_5254delCGAG, p.Arg1751Serfs (NM_001407919.1); c.5239_5242delCGAG, p.Arg1747Serfs (NM_001407920.1, NM_001407921.1, NM_001407922.1 and 4 more transcripts); c.5236_5239delCGAG, p.Arg1746Serfs (NM_001407927.1, NM_001407928.1, NM_001407929.1 and 4 more transcripts); c.5233_5236delCGAG, p.Arg1745Serfs (NM_001407934.1, NM_001407935.1, NM_001407936.1); c.*17_*20delCGAG (NM_001407937.1, NM_001407938.1, NM_001407939.1 and 13 more transcripts); and 78 more; short protein forms R1835fs, R1856fs, R1788fs, R731fs.
Identifiers: ClinVar variation 266557 (VCV000266557.6), dbSNP rs886040300, ClinGen allele CA10589587.

ClinVar aggregate classification (germline): Pathogenic. Review status: reviewed by expert panel (3 of 4 stars). 2 submissions from 2 submitters: Pathogenic (1). 1 of the submissions does not count toward it. Last evaluated 2016-10-18.

Conditions:
Breast-ovarian cancer, familial, susceptibility to, 1 (BROVCA1). Also called: BRCA1 Hereditary Breast and Ovarian Cancer; OVARIAN CANCER, SUSCEPTIBILITY TO. Identifiers: Orphanet 145, MedGen C2676676, MONDO:0011450, OMIM 604370. Disease mechanism: loss of function.

Submissions (2):

Evidence-based Network for the Interpretation of Germline Mutant Alleles (ENIGMA)
Classification: Pathogenic for Breast-ovarian cancer, familial, susceptibility to, 1. Last evaluated: 2016-10-18. Review status: reviewed by expert panel. Criteria: ENIGMA BRCA1/2 Classification Criteria (2015). Collection method: curation. Allele origin: germline.
Comment: Variant allele predicted to encode a truncated non-functional protein.

Consortium of Investigators of Modifiers of BRCA1/2 (CIMBA), c/o University of Cambridge
Classification: Pathogenic for Breast-ovarian cancer, familial, susceptibility to, 1. Last evaluated: 2015-10-02. Review status: criteria provided, single submitter. Criteria: CIMBA Mutation Classification guidelines May 2016. Collection method: clinical testing. Allele origin: germline. Not counted in ClinVar's aggregate classification.